The following is an entry in ClinVar:

ClinVar aggregate classification (germline): Benign/Likely benign. Review status: criteria provided, multiple submitters, no conflicts (2 of 4 stars). 4 submissions from 4 submitters: Benign (1); Likely benign (3). Last evaluated 2025-12-15.

Conditions:
Hereditary breast ovarian cancer syndrome. Also called: Breast and ovarian cancer; Hereditary breast and ovarian cancer; BRCA1- and BRCA2-Associated Hereditary Breast and Ovarian Cancer; Hereditary breast and/or ovarian cancer syndrome; Hereditary breast and ovarian cancer syndrome; Hereditary breast and ovarian cancer syndrome (HBOC). Identifiers: Orphanet 145, MedGen C0677776, MeSH D061325, MONDO:0003582. Disease mechanism: loss of function.

Allele frequency attached by ClinVar (database versions not stated): TOPMed 0.00004; gnomAD exomes below 0.00001 and 0.00001; gnomAD 0.00001; ExAC 0.00002.
gnomAD v4.1: 5 of 1,590,424 alleles (0.00031%); highest among the groups gnomAD compares: African/African-American, 0.0054%; no homozygotes.

Submissions (4):

Labcorp Genetics (formerly Invitae), Labcorp
Classification: Likely benign for Hereditary breast ovarian cancer syndrome. Last evaluated: 2025-12-15. Review status: criteria provided, single submitter. Criteria: Invitae Variant Classification Sherloc (09022015). Collection method: clinical testing. Allele origin: germline.

Women's Health and Genetics/Laboratory Corporation of America, LabCorp
Classification: Likely benign. Last evaluated: 2021-08-15. Review status: criteria provided, single submitter. Criteria: LabCorp Variant Classification Summary - May 2015. Collection method: clinical testing. Allele origin: germline.
Comment: Variant summary: BRCA1 c.547+8T>G alters a non-conserved nucleotide located close to a canonical splice site and therefore could affect mRNA splicing, leading to a significantly altered protein sequence. 4/4 computational tools predict no significant impact on normal splicing. However, these predictions have yet to be confirmed by functional studies. The variant allele was found at a frequency of 1.2e-05 in 251418 control chromosomes. The available data on variant occurrences in the general population are insufficient to allow any conclusion about variant significance. To our knowledge, no occurrence of c.547+8T>G in individuals affected with Hereditary Breast And Ovarian Cancer Syndrome and no experimental evidence demonstrating its impact on protein function have been reported. Two clinical diagnostic laboratories have submitted clinical-significance assessments for this variant to ClinVar after 2014 without evidence for independent evaluation. All laboratories classified the variant as likely benign. Based on the evidence outlined above, the variant was classified as likely benign.

Quest Diagnostics Nichols Institute San Juan Capistrano
Classification: Likely benign. Last evaluated: 2020-03-06. Review status: criteria provided, single submitter. Criteria: Quest Diagnostics criteria. Collection method: clinical testing. Allele origin: unknown.

GeneDx
Classification: Benign. Last evaluated: 2015-03-03. Review status: criteria provided, single submitter. Criteria: GeneDx Variant Classification Process June 2021. Collection method: clinical testing. Allele origin: germline. Affected: yes.

NM_007294.4(BRCA1):c.547+8T>G

Gene: BRCA1 (BRCA1 DNA repair associated; minus strand). Cytogenetic location: 17q21.31.
Variant type: single nucleotide variant.
Coding change: c.547+8T>G on transcript NM_007294.4 (MANE Select); 8 bases into the intron after coding-DNA position 547, T replaced by G.
Molecular consequence: intron variant.
Genome position (GRCh38, 1-based): chr17:43,099,767, A>C on the plus strand (T>G on the coding strand, the complement: BRCA1 is on the minus strand). VCF-style: chr17-43099767-A-C. GRCh37 (hg19) VCF-style: chr17-41251784-A-C.
Other names: c.406+8T>G (NM_001408458.1, NM_001407922.1, NM_001408469.1 and 61 more transcripts); c.-218-4907T>G (NM_001407967.1, NM_001407966.1); c.166+8T>G (NM_001407959.1, NM_001408512.1, NM_001408510.1 and 3 more transcripts); c.403+8T>G (NM_001407931.1, NM_001407747.1, NM_001408470.1 and 35 more transcripts); c.163+8T>G (NM_001407962.1); c.337+8T>G (NM_001407885.1, NM_001407886.1, NM_001407881.1 and 37 more transcripts); c.544+8T>G (NM_001407686.1, NM_001408397.1, NM_001407632.1 and 65 more transcripts); c.547+8T>G (NM_001408436.1, NM_001407665.1, NM_001407980.1 and 96 more transcripts); and 5 more.
Identifiers: ClinVar variation 438941 (VCV000438941.15), dbSNP rs762224894, ClinGen allele CA056391.